The following is an entry in ClinVar:

ClinVar aggregate classification (germline): Likely benign (1 of 4 stars; one submission).

gnomAD v4.1: 57 of 1,613,918 alleles (0.0035%); highest among the groups gnomAD compares: Non-Finnish European, 0.0044%; no homozygotes.

Submission:

CeGaT Center for Human Genetics Tuebingen
Classification: Likely benign. Last evaluated: 2025-10-01. Review status: criteria provided, single submitter. Criteria: CeGaT Center For Human Genetics Tuebingen Variant Classification Criteria Version 2. Collection method: clinical testing. Allele origin: germline. Affected: yes. Observed: 1 variant allele.
Comment: PIGL: BP4, BP7

NM_004278.4(PIGL):c.363G>A (p.Gln121=)

Gene: PIGL (phosphatidylinositol glycan anchor biosynthesis class L; plus strand). Cytogenetic location: 17p11.2.
Variant type: single nucleotide variant.
Coding change: c.363G>A on transcript NM_004278.4 (MANE Select); coding-DNA position 363, G replaced by A.
Protein change: p.Gln121=; no amino-acid change (glutamine 121 retained).
Molecular consequence: synonymous variant.
Genome position (GRCh38, 1-based): chr17:16,299,915, G>A. VCF-style: chr17-16299915-G-A. GRCh37 (hg19) VCF-style: chr17-16203229-G-A.
Other names: c.363G>A, p.Gln121= (NM_001411072.1).
Identifiers: ClinVar variation 4534313 (VCV004534313.6).